The following is an entry in ClinVar:

NM_007294.4(BRCA1):c.2043dup (p.Asn682Ter)

Gene: BRCA1 (BRCA1 DNA repair associated; minus strand). Cytogenetic location: 17q21.31.
Variant type: Duplication.
Coding change: c.2043dup on transcript NM_007294.4 (MANE Select); coding-DNA position 2043, one base duplicated (T; older notation c.2043dupT).
Protein change: p.Asn682Ter; replaces asparagine 682 with a stop codon.
Molecular consequence: nonsense. On other transcripts: frameshift variant (1), intron variant (137).
Genome position (GRCh38, 1-based): chr17:43,093,488, A duplicated on the plus strand (T on the coding strand, the reverse complement: BRCA1 is on the minus strand). VCF-style (leftmost placement, unchanged base first): chr17-43093487-T-TA. GRCh37 (hg19) VCF-style: chr17-41245504-T-TA.
Other names: c.2043dupT (NM_007294.3); c.1830dup, p.Asn611Ter (NM_001407571.1, NM_001407853.1, NM_001407894.1 and 9 more transcripts); c.2043dup, p.Asn682Ter (NM_001407581.1, NM_001407582.1, NM_001407583.1 and 30 more transcripts); c.2040dup, p.Asn681Ter (NM_001407587.1, NM_001407590.1, NM_001407591.1 and 22 more transcripts); c.2034dup, p.Asn679Ter (NM_001407646.1, NM_001407647.1); c.1920dup, p.Asn641Ter (NM_001407648.1, NM_001407664.1, NM_001407665.1 and 19 more transcripts); c.1917dup, p.Asn640Ter (NM_001407649.1, NM_001407670.1, NM_001407671.1 and 11 more transcripts); c.1965dup, p.Asn656Ter (NM_001407653.1, NM_001407654.1, NM_001407655.1 and 4 more transcripts); and 41 more; short protein forms N635*, N682*, N554*, N681*, N555*, N641*, N655*, N571*.
Identifiers: ClinVar variation 216102 (VCV000216102.28), dbSNP rs863224510, ClinGen allele CA338150.

ClinVar aggregate classification (germline): Pathogenic. Review status: reviewed by expert panel (3 of 4 stars). 9 submissions from 9 submitters: Pathogenic (1). 8 of the submissions do not count toward it. Last evaluated 2016-09-08.

Conditions:
Breast-ovarian cancer, familial, susceptibility to, 1 (BROVCA1). Also called: BRCA1 Hereditary Breast and Ovarian Cancer; OVARIAN CANCER, SUSCEPTIBILITY TO. Identifiers: Orphanet 145, MedGen C2676676, MONDO:0011450, OMIM 604370. Disease mechanism: loss of function.
Hereditary breast ovarian cancer syndrome. Also called: Breast and ovarian cancer; Hereditary breast and ovarian cancer; Hereditary breast and ovarian cancer syndrome; Hereditary breast and/or ovarian cancer syndrome; BRCA1- and BRCA2-Associated Hereditary Breast and Ovarian Cancer; Hereditary breast and ovarian cancer syndrome (HBOC). Identifiers: Orphanet 145, MedGen C0677776, MeSH D061325, MONDO:0003582. Disease mechanism: loss of function.
Hereditary cancer-predisposing syndrome. Also called: Tumor predisposition; Hereditary Cancer Syndrome; Neoplastic Syndromes, Hereditary; Hereditary neoplastic syndrome. Identifiers: Orphanet 140162, MedGen C0027672, MeSH D009386, MONDO:0015356.

Submissions (9):

Evidence-based Network for the Interpretation of Germline Mutant Alleles (ENIGMA)
Classification: Pathogenic for Breast-ovarian cancer, familial, susceptibility to, 1. Last evaluated: 2016-09-08. Review status: reviewed by expert panel. Criteria: ENIGMA BRCA1/2 Classification Criteria (2015). Collection method: curation. Allele origin: germline.
Comment: Variant allele predicted to encode a truncated non-functional protein.

Ambry Genetics
Classification: Pathogenic for Hereditary cancer-predisposing syndrome. Last evaluated: 2025-05-09. Review status: criteria provided, single submitter. Criteria: Ambry Variant Classification Scheme 2023. Collection method: clinical testing. Allele origin: germline. Not counted in ClinVar's aggregate classification.
Comment: The c.2043dupT pathogenic mutation, located in coding exon 9 of the BRCA1 gene, results from a duplication of T at nucleotide position 2043, causing a translational frameshift with a predicted alternate stop codon (p.N682*). This variant is considered to be rare based on population cohorts in the Genome Aggregation Database (gnomAD). This alteration is expected to result in loss of function by premature protein truncation or nonsense-mediated mRNA decay. As such, this alteration is interpreted as a disease-causing mutation.

Labcorp Genetics (formerly Invitae), Labcorp
Classification: Pathogenic for Hereditary breast ovarian cancer syndrome. Last evaluated: 2024-05-29. Review status: criteria provided, single submitter. Criteria: Invitae Variant Classification Sherloc (09022015). Collection method: clinical testing. Allele origin: germline. Not counted in ClinVar's aggregate classification.
Comment: This sequence change creates a premature translational stop signal (p.Asn682*) in the BRCA1 gene. It is expected to result in an absent or disrupted protein product. Loss-of-function variants in BRCA1 are known to be pathogenic (PMID: 20104584). This variant is not present in population databases (gnomAD no frequency). This premature translational stop signal has been observed in individual(s) with BRCA1-related conditions (PMID: 22762150). ClinVar contains an entry for this variant (Variation ID: 216102). For these reasons, this variant has been classified as Pathogenic.

GeneDx
Classification: Pathogenic. Last evaluated: 2024-04-18. Review status: criteria provided, single submitter. Criteria: GeneDx Variant Classification Process June 2021. Collection method: clinical testing. Allele origin: germline. Affected: yes. Not counted in ClinVar's aggregate classification.
Comment: Nonsense variant predicted to result in protein truncation or nonsense mediated decay in a gene for which loss of function is a known mechanism of disease; Not observed at significant frequency in large population cohorts (gnomAD); Truncating variants in this gene are considered pathogenic by a well-established clinical consortium and/or database; Also known as 2162dupT; This variant is associated with the following publications: (PMID: 22762150, 36149077, 31853058, 34619333, 34981296, 34413315, 28588062)

Baylor Genetics
Classification: Pathogenic for Breast-ovarian cancer, familial, susceptibility to, 1. Last evaluated: 2022-08-10. Review status: criteria provided, single submitter. Criteria: ACMG Guidelines, 2015. Collection method: clinical testing. Allele origin: unknown. Not counted in ClinVar's aggregate classification.

Color Diagnostics, LLC DBA Color Health
Classification: Pathogenic for Hereditary cancer-predisposing syndrome. Last evaluated: 2021-12-14. Review status: criteria provided, single submitter. Criteria: ACMG Guidelines, 2015. Collection method: clinical testing. Allele origin: germline. Not counted in ClinVar's aggregate classification.
Comment: This variant inserts 1 nucleotide in exon 10 of the BRCA1 gene, creating a frameshift and premature translation stop signal. This variant is expected to result in an absent or non-functional protein product. This variant has been reported in an individual affected with ovarian cancer (PMID: 28588062) and in a suspected hereditary breast and ovarian cancer family (PMID: 22762150). This variant has not been identified in the general population by the Genome Aggregation Database (gnomAD). Loss of BRCA1 function is a known mechanism of disease. Based on the available evidence, this variant is classified as Pathogenic.

Quest Diagnostics Nichols Institute San Juan Capistrano
Classification: Pathogenic. Last evaluated: 2020-04-02. Review status: criteria provided, single submitter. Criteria: Quest Diagnostics criteria. Collection method: clinical testing. Allele origin: unknown. Not counted in ClinVar's aggregate classification.
Comment: The variant results in a shift of the reading frame, and is therefore predicted to result in the loss of a functional protein. Found in at least one patient with expected phenotype for this gene, and not found in general population data.

Consortium of Investigators of Modifiers of BRCA1/2 (CIMBA), c/o University of Cambridge
Classification: Pathogenic for Breast-ovarian cancer, familial, susceptibility to, 1. Last evaluated: 2015-10-02. Review status: criteria provided, single submitter. Criteria: CIMBA Mutation Classification guidelines May 2016. Collection method: clinical testing. Allele origin: germline. Not counted in ClinVar's aggregate classification.

Counsyl
Classification: Likely pathogenic for Breast-ovarian cancer, familial, susceptibility to, 1. Last evaluated: 2017-03-24. Review status: no assertion criteria provided. Collection method: clinical testing. Allele origin: unknown. Not counted in ClinVar's aggregate classification.

Literature cited by the submitters: PubMed 20104584 (cited by Labcorp Genetics (formerly Invitae), Labcorp); PubMed 22762150 (cited by 4 submitters); PubMed 28588062 (cited by Color Diagnostics, LLC DBA Color Health and Quest Diagnostics Nichols Institute San Juan Capistrano); PubMed 26295337 (cited by Quest Diagnostics Nichols Institute San Juan Capistrano).